The following is an entry in ClinVar:

ClinVar aggregate classification (germline): Uncertain significance (1 of 4 stars; one submission).

Conditions:
Beckwith-Wiedemann syndrome (BWS). Also called: Exomphalos macroglossia gigantism syndrome; EMG SYNDROME. Identifiers: Orphanet 116, MedGen C0004903, MONDO:0007534, OMIM 130650.

Allele frequency attached by ClinVar (database versions not stated): gnomAD exomes below 0.00001.
gnomAD v4.1: 1 of 1,300,666 alleles (0.000077%); highest among the groups gnomAD compares: Non-Finnish European, 0.000098%; no homozygotes.

Submission:

Labcorp Genetics (formerly Invitae), Labcorp
Classification: Uncertain significance for Beckwith-Wiedemann syndrome. Last evaluated: 2021-02-10. Review status: criteria provided, single submitter. Criteria: Invitae Variant Classification Sherloc (09022015). Collection method: clinical testing. Allele origin: germline.
Comment: In summary, the available evidence is currently insufficient to determine the role of this variant in disease. Therefore, it has been classified as a Variant of Uncertain Significance. Algorithms developed to predict the effect of missense changes on protein structure and function output the following: SIFT: "Tolerated"; PolyPhen-2: "Not available"; Align-GVGD: "Class C0". The alanine amino acid residue is found in multiple mammalian species, suggesting that this missense change does not adversely affect protein function. These predictions have not been confirmed by published functional studies and their clinical significance is uncertain. This variant has not been reported in the literature in individuals with CDKN1C-related conditions. The frequency data for this variant in the population databases is considered unreliable, as metrics indicate insufficient coverage at this position in the ExAC database. This sequence change replaces valine with alanine at codon 153 of the CDKN1C protein (p.Val153Ala). The valine residue is weakly conserved and there is a small physicochemical difference between valine and alanine.

NM_001122630.2(CDKN1C):c.425T>C (p.Val142Ala)

Gene: CDKN1C (cyclin dependent kinase inhibitor 1C; minus strand). Cytogenetic location: 11p15.4.
Variant type: single nucleotide variant.
Coding change: c.425T>C on transcript NM_001122630.2 (MANE Select); coding-DNA position 425, T replaced by C.
Protein change: p.Val142Ala; replaces valine 142 with alanine.
Molecular consequence: missense variant. On other transcripts: intron variant (1).
Genome position (GRCh38, 1-based): chr11:2,885,032, A>G on the plus strand (T>C on the coding strand, the complement: CDKN1C is on the minus strand). VCF-style: chr11-2885032-A-G. GRCh37 (hg19) VCF-style: chr11-2906262-A-G.
Other names: c.458T>C, p.Val153Ala (NM_000076.2, NM_001362474.2); c.425T>C, p.Val142Ala (NM_001122631.2); c.255+170T>C (NM_001362475.2); short protein forms V142A, V153A.
Identifiers: ClinVar variation 961503 (VCV000961503.9), dbSNP rs1848953221, ClinGen allele CA379146658.
Genomic context (GRCh38, chr11:2,885,032, plus strand): 5'-ACCGGAGCCGCGACCGGAGCCGCGACCGGAGCCGGAGCCGGGGCCGGGGCTGGAGCCAGG[A>G]CCGGGACTGGGGGCGGGGTGGACGCCGGGGCCGGGACCGGGACACTAGGCAGCTGCTCCG-3'
Protein context (NP_001116102.1, residues 132-152): APASTPPPVP[Val142Ala]LAPAPAPAPA